The following is an entry in ClinVar:

ClinVar aggregate classification (germline): Pathogenic (1 of 4 stars; one submission).

Conditions:
Primary ciliary dyskinesia. Also called: Ciliary dyskinesia. Identifiers: Orphanet 244, MedGen C0008780, MONDO:0016575, HP:0012265.

Submission:

Labcorp Genetics (formerly Invitae), Labcorp
Classification: Pathogenic for Primary ciliary dyskinesia. Last evaluated: 2020-12-02. Review status: criteria provided, single submitter. Criteria: Invitae Variant Classification Sherloc (09022015). Collection method: clinical testing. Allele origin: germline.
Comment: For these reasons, this variant has been classified as Pathogenic. This variant has not been reported in the literature in individuals with DNAH5-related conditions. This variant is a gross deletion of the genomic region encompassing exon(s) 1-15 of the DNAH5 gene, which includes the initiator codon. The 5' end of this event is unknown as it extends beyond the assayed region for this gene and therefore may encompass additional genes. The 3' boundary is likely confined to intron 15 of the DNAH5 gene. It is expected to result in an absent or disrupted protein product. Loss-of-function variants in DNAH5 are known to be pathogenic (PMID: 11788826, 16627867).

Literature cited by the submitters: PubMed 11788826; PubMed 16627867.

NC_000005.9:g.(?_13900305)_(13944557_?)del

Gene: DNAH5 (dynein axonemal heavy chain 5; minus strand). Cytogenetic location: 5p15.2.
Variant type: Deletion.
Identifiers: ClinVar variation 1410400 (VCV001410400.12).